The following is an entry in ClinVar:

NM_015001.3(SPEN):c.6061del (p.Gln2020_Ile2021insTer)

Gene: SPEN (spen family transcriptional repressor; plus strand). Cytogenetic location: 1p36.13.
Variant type: Deletion.
Coding change: c.6061del on transcript NM_015001.3 (MANE Select); coding-DNA position 6061, one base deleted (A; older notation c.6061delA).
Protein change: p.Gln2020_Ile2021insTer.
Molecular consequence: nonsense.
Genome position (GRCh38, 1-based): chr1:15,932,301, A deleted; the last of 3 consecutive A bases (chr1:15,932,299-15,932,301); deleting any one gives the same sequence. VCF-style (leftmost placement, unchanged base first): chr1-15932298-CA-C. GRCh37 (hg19) VCF-style: chr1-16258793-CA-C.
Identifiers: ClinVar variation 3168943 (VCV003168943.1), dbSNP rs2523084567, ClinGen allele CA2825000865.
Genomic context (GRCh38, chr1:15,932,298, plus strand): 5'-GGAAAAAATGAACCGAAGGTGGATGCTACACGTCCTGAGGCCACCACTGAGGTGGGCCCC[CA>C]AATAGGCGTGAAAGAGAGCTCCATGGAACCCAAGGCTGCTGAGGAGGAGGCAGGGAGTGA-3'

ClinVar aggregate classification (germline): Pathogenic (1 of 4 stars; one submission).

Conditions:
Inborn genetic diseases. Identifiers: MedGen C0950123, MeSH D030342.

Submission:

Ambry Genetics
Classification: Pathogenic for Inborn genetic diseases. Last evaluated: 2023-12-12. Review status: criteria provided, single submitter. Criteria: Ambry Variant Classification Scheme 2023. Collection method: clinical testing. Allele origin: germline.
Comment: The c.6061delA (p.I2021*) alteration, located in exon 11 (coding exon 11) of the SPEN gene, consists of a deletion of one nucleotide at position 6061, causing a translational frameshift with a predicted alternate stop codon after amino acids. This alteration is expected to result in loss of function by premature protein truncation or nonsense-mediated mRNA decay. This variant was not reported in population-based cohorts in the Genome Aggregation Database (gnomAD). Based on the available evidence, this alteration is classified as pathogenic.